The following is an entry in ClinVar:

ClinVar aggregate classification (germline): Pathogenic (1 of 4 stars; one submission).

Conditions:
Inherited breast cancer and ovarian cancer.

Submission:

Genetics Laboratory, Great Ormond Street Hospital NHS Foundation Trust, North Thames Genomic Laboratory Hub
Classification: Pathogenic for Inherited breast cancer and ovarian cancer. Last evaluated: 2025-08-26. Review status: criteria provided, single submitter. Criteria: CanVIG BRCA Gene Specific V1.22. Collection method: clinical testing. Allele origin: germline. Affected: yes.
Comment: PM2_moderate, PVS1_very-strong, PM5_strong

NM_000059.4(BRCA2):c.3095_3098del (p.Lys1032fs)

Gene: BRCA2 (BRCA2 DNA repair associated; plus strand). Cytogenetic location: 13q13.1.
Variant type: Deletion.
Coding change: c.3095_3098del on transcript NM_000059.4 (MANE Select); coding-DNA positions 3095 to 3098, 4 bases deleted (AAGA; older notation c.3095_3098delAAGA).
Protein change: p.Lys1032fs; shifts the reading frame from lysine 1032.
Molecular consequence: frameshift variant. On other transcripts: non-coding transcript variant (1), intron variant (2).
Genome position (GRCh38, 1-based): chr13:32,337,450-32,337,453, AAGA deleted; deleting any 4 consecutive bases within chr13:32,337,449-32,337,453 gives the same sequence; the c. name uses the placement nearest the transcript's 3' end. VCF-style (leftmost placement, unchanged base first): chr13-32337448-CAAAG-C. GRCh37 (hg19) VCF-style: chr13-32911585-CAAAG-C.
Other names: c.3095_3098del, p.Lys1032fs (NM_001406719.1, NM_001406720.1, NM_001432077.1); c.1909+4063_1909+4066del (NM_001406721.1); c.424+6420_424+6423del (NM_001406722.1); short protein forms K1032fs.
Identifiers: ClinVar variation 4294337 (VCV004294337.1).